The following is an entry in ClinVar:

ClinVar aggregate classification (germline): Conflicting classifications of pathogenicity. Review status: criteria provided, conflicting classifications (1 of 4 stars). 5 submissions from 3 submitters: Uncertain significance (1); Benign (3); Likely benign (1). Last evaluated 2025-04-22.

Conditions:
Pallister-Hall syndrome (PHS). Also called: HYPOTHALAMIC HAMARTOBLASTOMA, HYPOPITUITARISM, IMPERFORATE ANUS, AND POSTAXIAL POLYDACTYLY; GLI3-Related Pallister-Hall Syndrome. Identifiers: Orphanet 672, MedGen C0265220, MONDO:0007804, OMIM 146510.
Greig cephalopolysyndactyly syndrome (GCPS). Also called: POLYSYNDACTYLY WITH PECULIAR SKULL SHAPE; Greig syndrome; GLI3-Related Greig Cephalopolysyndactyly Syndrome. Identifiers: Orphanet 380, MedGen C0265306, MONDO:0008287, OMIM 175700.
Polydactyly. Also called: polydactylism. Identifiers: MedGen C0152427, MONDO:0021003, OMIM 603596, HP:0010442.

Allele frequency attached by ClinVar (database versions not stated): gnomAD 0.00003; TOPMed 0.00003; gnomAD exomes 0.00004; ExAC 0.00006; ESP Exome Variant Server 0.00008.
gnomAD v4.1: 64 of 1,613,148 alleles (0.004%); highest among the groups gnomAD compares: Admixed American, 0.01%; no homozygotes.

Submissions (5):

GeneDx
Classification: Uncertain significance. Last evaluated: 2025-04-22. Review status: criteria provided, single submitter. Criteria: GeneDx Variant Classification Process June 2021. Collection method: clinical testing. Allele origin: germline. Affected: yes.
Comment: In silico analysis supports that this missense variant has a deleterious effect on protein structure/function; Has not been previously published as pathogenic or benign to our knowledge

Labcorp Genetics (formerly Invitae), Labcorp
Classification: Likely benign for Pallister-Hall syndrome; Greig cephalopolysyndactyly syndrome. Last evaluated: 2022-08-23. Review status: criteria provided, single submitter. Criteria: Invitae Variant Classification Sherloc (09022015). Collection method: clinical testing. Allele origin: germline.

Illumina Laboratory Services, Illumina
Classification: Benign for Polydactyly. Last evaluated: 2018-01-12. Review status: criteria provided, single submitter. Criteria: ICSL Variant Classification Criteria 13 December 2019. Collection method: clinical testing. Allele origin: germline.
Comment: This variant was observed in the ICSL laboratory as part of a predisposition screen in an ostensibly healthy population. It had not been previously curated by ICSL or reported in the Human Gene Mutation Database (HGMD: prior to June 1st, 2018), and was therefore a candidate for classification through an automated scoring system. Utilizing variant allele frequency, disease prevalence and penetrance estimates, and inheritance mode, an automated score was calculated to assess if this variant is too frequent to cause the disease. Based on the score and internal cut-off values, a variant classified as benign is not then subjected to further curation. The score for this variant resulted in a classification of benign for this disease.

Illumina Laboratory Services, Illumina
Classification: Benign for Pallister-Hall syndrome. Last evaluated: 2018-01-12. Review status: criteria provided, single submitter. Criteria: ICSL Variant Classification Criteria 13 December 2019. Collection method: clinical testing. Allele origin: germline.
Comment: the same text as in the submission from Illumina Laboratory Services, Illumina above.

Illumina Laboratory Services, Illumina
Classification: Benign for Greig cephalopolysyndactyly syndrome. Last evaluated: 2018-01-12. Review status: criteria provided, single submitter. Criteria: ICSL Variant Classification Criteria 13 December 2019. Collection method: clinical testing. Allele origin: germline.
Comment: the same text as in the submission from Illumina Laboratory Services, Illumina above.

NM_000168.6(GLI3):c.3149C>T (p.Thr1050Met)

Gene: GLI3 (GLI family zinc finger 3; minus strand). Cytogenetic location: 7p14.1.
Variant type: single nucleotide variant.
Coding change: c.3149C>T on transcript NM_000168.6 (MANE Select); coding-DNA position 3149, C replaced by T.
Protein change: p.Thr1050Met; replaces threonine 1050 with methionine.
Molecular consequence: missense variant.
Genome position (GRCh38, 1-based): chr7:41,965,924, G>A on the plus strand (C>T on the coding strand, the complement: GLI3 is on the minus strand). VCF-style: chr7-41965924-G-A. GRCh37 (hg19) VCF-style: chr7-42005522-G-A.
Other names: short protein forms T1050M.
Identifiers: ClinVar variation 360231 (VCV000360231.10), dbSNP rs146556791, ClinGen allele CA4230435.